The following is an entry in ClinVar:

NM_022124.6(CDH23):c.6643G>A (p.Val2215Met)

Gene: CDH23 (cadherin related 23; plus strand). Cytogenetic location: 10q22.1.
Variant type: single nucleotide variant.
Coding change: c.6643G>A on transcript NM_022124.6 (MANE Select); coding-DNA position 6643, G replaced by A.
Protein change: p.Val2215Met; replaces valine 2215 with methionine.
Molecular consequence: missense variant.
Genome position (GRCh38, 1-based): chr10:71,793,571, G>A. VCF-style: chr10-71793571-G-A. GRCh37 (hg19) VCF-style: chr10-73553328-G-A.
Other names: short protein forms V2215M.
Identifiers: ClinVar variation 1321627 (VCV001321627.3), dbSNP rs746755852, ClinGen allele CA5546137.
Genomic context (GRCh38, chr10:71,793,571, plus strand): 5'-AATATCACGGCCATTGACCACGACCTCAACCCAAAGCTAGAGTACCACATTGTCGGCATT[G>A]TGGCCAAGGACGACACTGATCGCCTGGTGCCCAACCAGGAGGACGCCTTTGCTGTGAATA-3'
Protein context (NP_071407.4, residues 2205-2225): PKLEYHIVGI[Val2215Met]AKDDTDRLVP

ClinVar aggregate classification (germline): Uncertain significance. Review status: criteria provided, multiple submitters, no conflicts (2 of 4 stars). 2 submissions from 2 submitters: Uncertain significance (2). Last evaluated 2022-04-17.

Allele frequency attached by ClinVar (database versions not stated): gnomAD 0.00001; ExAC 0.00002; gnomAD exomes 0.00002 and 0.00005.
gnomAD v4.1: 79 of 1,612,680 alleles (0.0049%); highest among the groups gnomAD compares: Non-Finnish European, 0.0064%; no homozygotes.

Submissions (2):

Labcorp Genetics (formerly Invitae), Labcorp
Classification: Uncertain significance. Last evaluated: 2022-04-17. Review status: criteria provided, single submitter. Criteria: Invitae Variant Classification Sherloc (09022015). Collection method: clinical testing. Allele origin: germline.
Comment: This sequence change replaces valine, which is neutral and non-polar, with methionine, which is neutral and non-polar, at codon 2215 of the CDH23 protein (p.Val2215Met). This variant is present in population databases (rs746755852, gnomAD 0.007%). This variant has not been reported in the literature in individuals affected with CDH23-related conditions. ClinVar contains an entry for this variant (Variation ID: 1321627). Algorithms developed to predict the effect of missense changes on protein structure and function output the following: SIFT: "Deleterious"; PolyPhen-2: "Not Available"; Align-GVGD: "Class C15". The methionine amino acid residue is found in multiple mammalian species, which suggests that this missense change does not adversely affect protein function. In summary, the available evidence is currently insufficient to determine the role of this variant in disease. Therefore, it has been classified as a Variant of Uncertain Significance.

GeneDx
Classification: Uncertain significance. Last evaluated: 2021-05-13. Review status: criteria provided, single submitter. Criteria: GeneDx Variant Classification Process June 2021. Collection method: clinical testing. Allele origin: germline. Affected: yes.
Comment: Not observed at significant frequency in large population cohorts (Lek et al., 2016); In silico analysis supports that this missense variant does not alter protein structure/function; Has not been previously published as pathogenic or benign to our knowledge